The following is an entry in ClinVar:

ClinVar aggregate classification (germline): Uncertain significance (1 of 4 stars; one submission).

Allele frequency attached by ClinVar (database versions not stated): gnomAD exomes below 0.00001; TOPMed 0.00002.
gnomAD v4.1: 5 of 1,227,150 alleles (0.00041%); highest among the groups gnomAD compares: Non-Finnish European, 0.00051%; no homozygotes.

Submission:

Labcorp Genetics (formerly Invitae), Labcorp
Classification: Uncertain significance. Last evaluated: 2019-11-28. Review status: criteria provided, single submitter. Criteria: Invitae Variant Classification Sherloc (09022015). Collection method: clinical testing. Allele origin: germline.
Comment: In summary, the available evidence is currently insufficient to determine the role of this variant in disease. Therefore, it has been classified as a Variant of Uncertain Significance. Algorithms developed to predict the effect of missense changes on protein structure and function (SIFT, PolyPhen-2, Align-GVGD) all suggest that this variant is likely to be tolerated, but these predictions have not been confirmed by published functional studies and their clinical significance is uncertain. This variant has not been reported in the literature in individuals with HMX1-related conditions. The frequency data for this variant in the population databases is considered unreliable, as metrics indicate insufficient coverage at this position in the ExAC database. This sequence change replaces proline with serine at codon 305 of the HMX1 protein (p.Pro305Ser). The proline residue is weakly conserved and there is a moderate physicochemical difference between proline and serine.

NM_018942.3(HMX1):c.913C>T (p.Pro305Ser)

Gene: HMX1 (H6 family homeobox 1; minus strand). Cytogenetic location: 4p16.1.
Variant type: single nucleotide variant.
Coding change: c.913C>T on transcript NM_018942.3 (MANE Select); coding-DNA position 913, C replaced by T.
Protein change: p.Pro305Ser; replaces proline 305 with serine.
Molecular consequence: missense variant. On other transcripts: intron variant (1).
Genome position (GRCh38, 1-based): chr4:8,867,827, G>A on the plus strand (C>T on the coding strand, the complement: HMX1 is on the minus strand). VCF-style: chr4-8867827-G-A. GRCh37 (hg19) VCF-style: chr4-8869553-G-A.
Other names: c.394+3394C>T (NM_001306142.2); short protein forms P305S.
Identifiers: ClinVar variation 846948 (VCV000846948.9), dbSNP rs901630227, ClinGen allele CA92349782.